The following is an entry in ClinVar:

NM_001382391.1(CSPP1):c.3509_3512dup (p.His1171fs)

Genes: ARFGEF1 (ARF guanine nucleotide exchange factor 1; minus strand), CSPP1 (centrosome and spindle pole associated protein 1; plus strand). Cytogenetic location: 8q13.2.
Variant type: Duplication.
Coding change: c.3509_3512dup on transcript NM_001382391.1 (MANE Select); coding-DNA positions 3509 to 3512, 4 bases duplicated (AACA; older notation c.3509_3512dupAACA).
Protein change: p.His1171fs; shifts the reading frame from histidine 1171.
Molecular consequence: frameshift variant. On other transcripts: no sequence alteration (1), intron variant (2).
Genome position (GRCh38, 1-based): chr8:67,195,421-67,195,424, AACA duplicated; duplicating any 4 consecutive bases within chr8:67,195,420-67,195,424 gives the same sequence; the c. name uses the placement nearest the transcript's 3' end. VCF-style (leftmost placement, unchanged base first): chr8-67195419-G-GAAAC. GRCh37 (hg19) VCF-style: chr8-68107654-G-GAAAC.
Other names: c.2459_2462dup, p.His821fs (NM_001291339.2); c.3428_3431dup, p.His1144fs (NM_001363131.2); c.3314_3317dup, p.His1106fs (NM_001363132.2); c.3233_3236dup, p.His1079fs (NM_001363133.2); c.3575_3578dup, p.His1193fs (NM_001364869.1); c.3395_3398dup, p.His1133fs (NM_001364870.1); c.3341_3344dup, p.His1115fs (NM_001438330.1); c.*1_*4dup, p.Ter1118= (NM_001438331.1); and 5 more; short protein forms H1193fs, H1079fs, H1144fs, H821fs, H1106fs, H1166fs, H1133fs, H1171fs.
Identifiers: ClinVar variation 567620 (VCV000567620.6), dbSNP rs776145236, ClinGen allele CA4771201.

ClinVar aggregate classification (germline): Uncertain significance (1 of 4 stars; one submission).

Conditions:
Joubert syndrome 21 (JBTS21). Identifiers: MedGen C3810212, MONDO:0014288, OMIM 615636.

Submission:

Labcorp Genetics (formerly Invitae), Labcorp
Classification: Uncertain significance for Joubert syndrome 21. Last evaluated: 2021-09-01. Review status: criteria provided, single submitter. Criteria: Invitae Variant Classification Sherloc (09022015). Collection method: clinical testing. Allele origin: germline.
Comment: This sequence change creates a premature translational stop signal (p.His1166Glnfs*6) in the CSPP1 gene. While this is not anticipated to result in nonsense mediated decay, it is expected to disrupt the last 56 amino acid(s) of the CSPP1 protein. The frequency data for this variant in the population databases is considered unreliable, as metrics indicate poor data quality at this position in the ExAC database. This variant has not been reported in the literature in individuals affected with CSPP1-related conditions. Experimental studies and prediction algorithms are not available or were not evaluated, and the functional significance of this variant is currently unknown. In summary, the available evidence is currently insufficient to determine the role of this variant in disease. Therefore, it has been classified as a Variant of Uncertain Significance.